The following is an entry in ClinVar:

NM_000179.3(MSH6):c.2659C>G (p.Leu887Val)

Gene: MSH6 (mutS homolog 6; plus strand). Cytogenetic location: 2p16.3.
Variant type: single nucleotide variant.
Coding change: c.2659C>G on transcript NM_000179.3 (MANE Select); coding-DNA position 2659, C replaced by G.
Protein change: p.Leu887Val; replaces leucine 887 with valine.
Molecular consequence: missense variant.
Genome position (GRCh38, 1-based): chr2:47,800,642, C>G. VCF-style: chr2-47800642-C-G. GRCh37 (hg19) VCF-style: chr2-48027781-C-G.
Other names: c.2269C>G, p.Leu757Val (NM_001281492.2); c.1753C>G, p.Leu585Val (NM_001281493.2, NM_001281494.2); short protein forms L887V, L585V, L757V.
Identifiers: ClinVar variation 525669 (VCV000525669.16), dbSNP rs1423320900, ClinGen allele CA346755196.

ClinVar aggregate classification (germline): Uncertain significance. Review status: criteria provided, multiple submitters, no conflicts (2 of 4 stars). 4 submissions from 4 submitters: Uncertain significance (4). Last evaluated 2025-11-24.

Conditions:
Hereditary nonpolyposis colorectal neoplasms. Identifiers: MedGen C0009405, MeSH D003123.
Hereditary cancer-predisposing syndrome. Also called: Neoplastic Syndromes, Hereditary; Tumor predisposition; Hereditary Cancer Syndrome; Hereditary neoplastic syndrome. Identifiers: Orphanet 140162, MedGen C0027672, MeSH D009386, MONDO:0015356.
Lynch syndrome. Identifiers: Orphanet 144, MedGen C4552100, MONDO:0005835. Disease mechanism: loss of function.

Allele frequency attached by ClinVar (database versions not stated): gnomAD exomes 0.00001.
gnomAD v4.1: 14 of 1,614,108 alleles (0.00087%); highest among the groups gnomAD compares: South Asian, 0.0033%; no homozygotes.

Submissions (4):

Ambry Genetics
Classification: Uncertain significance for Hereditary cancer-predisposing syndrome. Last evaluated: 2025-11-24. Review status: criteria provided, single submitter. Criteria: Ambry Variant Classification Scheme 2023. Collection method: clinical testing. Allele origin: germline.
Comment: The p.L887V variant (also known as c.2659C>G), located in coding exon 4 of the MSH6 gene, results from a C to G substitution at nucleotide position 2659. The leucine at codon 887 is replaced by valine, an amino acid with highly similar properties. This amino acid position is conserved. In addition, this alteration is predicted to be deleterious by in silico analysis. Based on the available evidence, the clinical significance of this variant remains unclear.

Color Diagnostics, LLC DBA Color Health
Classification: Uncertain significance for Hereditary cancer-predisposing syndrome. Last evaluated: 2023-12-04. Review status: criteria provided, single submitter. Criteria: ACMG Guidelines, 2015. Collection method: clinical testing. Allele origin: germline.
Comment: This missense variant replaces leucine with valine at codon 887 of the MSH6 protein. Computational prediction is inconclusive regarding the impact of this variant on protein structure and function (internally defined REVEL score threshold 0.5 < inconclusive < 0.7, PMID: 27666373). To our knowledge, functional studies have not been reported for this variant. This variant has not been reported in individuals affected with MSH6-related disorders in the literature. This variant has been identified in 2/250478 chromosomes in the general population by the Genome Aggregation Database (gnomAD). The available evidence is insufficient to determine the role of this variant in disease conclusively. Therefore, this variant is classified as a Variant of Uncertain Significance.

Labcorp Genetics (formerly Invitae), Labcorp
Classification: Uncertain significance for Hereditary nonpolyposis colorectal neoplasms. Last evaluated: 2023-09-09. Review status: criteria provided, single submitter. Criteria: Invitae Variant Classification Sherloc (09022015). Collection method: clinical testing. Allele origin: germline.
Comment: This sequence change replaces leucine, which is neutral and non-polar, with valine, which is neutral and non-polar, at codon 887 of the MSH6 protein (p.Leu887Val). This variant is present in population databases (no rsID available, gnomAD 0.006%). This variant has not been reported in the literature in individuals affected with MSH6-related conditions. ClinVar contains an entry for this variant (Variation ID: 525669). Advanced modeling of protein sequence and biophysical properties (such as structural, functional, and spatial information, amino acid conservation, physicochemical variation, residue mobility, and thermodynamic stability) has been performed at Invitae for this missense variant, however the output from this modeling did not meet the statistical confidence thresholds required to predict the impact of this variant on MSH6 protein function. In summary, the available evidence is currently insufficient to determine the role of this variant in disease. Therefore, it has been classified as a Variant of Uncertain Significance.

All of Us Research Program, National Institutes of Health
Classification: Uncertain significance for Lynch syndrome. Last evaluated: 2023-05-31. Review status: criteria provided, single submitter. Criteria: ACMG Guidelines, 2015. Collection method: clinical testing. Allele origin: germline. Inheritance: Autosomal dominant inheritance. Observed: 1 variant allele, 1 heterozygote.
Comment: This study involves interpretation of variants in research participants for the purpose of population health screening. Participant phenotype was not available at the time of variant classification. Additional details can be found in publication PMID: 35346344, PMCID: PMC8962531